The following is an entry in ClinVar:

NC_000023.10:g.(?_53222149)_(53461292_?)dup

Genes: HSD17B10 (hydroxysteroid 17-beta dehydrogenase 10; minus strand), IQSEC2 (IQ motif and Sec7 domain ArfGEF 2; minus strand), KDM5C (lysine demethylase 5C; minus strand), RIBC1 (RIB43A domain with coiled-coils 1; plus strand), SMC1A (structural maintenance of chromosomes 1A; minus strand). Cytogenetic location: Xp11.22.
Variant type: Duplication.
Identifiers: ClinVar variation 2425032 (VCV002425032.3).

ClinVar aggregate classification (germline): Uncertain significance (1 of 4 stars; one submission).

Conditions:
Spastic paraplegia. Identifiers: MedGen C0037772, HP:0001258.

Submission:

Labcorp Genetics (formerly Invitae), Labcorp
Classification: Uncertain significance for Spastic paraplegia. Last evaluated: 2022-09-01. Review status: criteria provided, single submitter. Criteria: Invitae Variant Classification Sherloc (09022015). Collection method: clinical testing. Allele origin: germline.
Comment: A copy number gain of the genomic region encompassing the full coding sequence of the KDM5C gene has been identified. The boundaries of this event are unknown as they extend beyond the assayed region for this gene and therefore may encompass additional genes. As the precise location of this event is unknown, it may be in tandem or it may be located elsewhere in the genome. This variant has not been reported in the literature in individuals affected with KDM5C-related conditions. In summary, the available evidence is currently insufficient to determine the role of this variant in disease. Therefore, it has been classified as a Variant of Uncertain Significance.